The following is an entry in ClinVar:

NM_182493.3(MYLK3):c.796C>T (p.Pro266Ser)

Gene: MYLK3 (myosin light chain kinase 3; minus strand). Cytogenetic location: 16q11.2.
Variant type: single nucleotide variant.
Coding change: c.796C>T on transcript NM_182493.3 (MANE Select); coding-DNA position 796, C replaced by T.
Protein change: p.Pro266Ser; replaces proline 266 with serine.
Molecular consequence: missense variant. On other transcripts: intron variant (1).
Genome position (GRCh38, 1-based): chr16:46,737,916, G>A on the plus strand (C>T on the coding strand, the complement: MYLK3 is on the minus strand). VCF-style: chr16-46737916-G-A. GRCh37 (hg19) VCF-style: chr16-46771828-G-A.
Other names: c.-23+2141C>T (NM_001308301.1); short protein forms P266S.
Identifiers: ClinVar variation 2995043 (VCV002995043.3), dbSNP rs369427292, ClinGen allele CA8038142.
Genomic context (GRCh38, chr16:46,737,916, plus strand): 5'-GTCCTGCACCTGGTGCAACCTCCAGGCTCGGGGAGACCACATTGACCCTGCCGGGTGCTG[G>A]AGCCAATTCCAGGCCAGTCCTGAGGTTCTCGCTGGGTGTCTCAGGAGCCTTGGCTTCCAC-3'
Protein context (NP_872299.2, residues 256-276): ENLRTGLELA[Pro266Ser]APGRVNVVSP

ClinVar aggregate classification (germline): Uncertain significance (1 of 4 stars; one submission).

Allele frequency attached by ClinVar (database versions not stated): gnomAD exomes 0.00001; TOPMed 0.00001; ExAC 0.00002; ESP Exome Variant Server 0.00008.
gnomAD v4.1: 9 of 1,614,194 alleles (0.00056%); highest among the groups gnomAD compares: East Asian, 0.0022%; no homozygotes.

Submission:

Labcorp Genetics (formerly Invitae), Labcorp
Classification: Uncertain significance. Last evaluated: 2023-01-18. Review status: criteria provided, single submitter. Criteria: Invitae Variant Classification Sherloc (09022015). Collection method: clinical testing. Allele origin: germline.
Comment: This variant has not been reported in the literature in individuals affected with MYLK3-related conditions. This variant is present in population databases (rs369427292, gnomAD 0.006%). This sequence change replaces proline, which is neutral and non-polar, with serine, which is neutral and polar, at codon 266 of the MYLK3 protein (p.Pro266Ser). In summary, the available evidence is currently insufficient to determine the role of this variant in disease. Therefore, it has been classified as a Variant of Uncertain Significance. Algorithms developed to predict the effect of missense changes on protein structure and function (SIFT, PolyPhen-2, Align-GVGD) all suggest that this variant is likely to be tolerated.